The following is an entry in ClinVar:

NM_002291.3(LAMB1):c.1482+19C>T

Gene: LAMB1 (laminin subunit beta 1; minus strand). Cytogenetic location: 7q31.1.
Variant type: single nucleotide variant.
Coding change: c.1482+19C>T on transcript NM_002291.3 (MANE Select); 19 bases into the intron after coding-DNA position 1482, C replaced by T.
Molecular consequence: intron variant.
Genome position (GRCh38, 1-based): chr7:107,974,967, G>A on the plus strand (C>T on the coding strand, the complement: LAMB1 is on the minus strand). VCF-style: chr7-107974967-G-A. GRCh37 (hg19) VCF-style: chr7-107615412-G-A.
Identifiers: ClinVar variation 517732 (VCV000517732.8), dbSNP rs376329632, ClinGen allele CA4436017.
Genomic context (GRCh38, chr7:107,974,967, plus strand): 5'-TACAATGGCGAAAAGGCTTCTCTATTAAAACATGTCATCCTCACCAACCACCCATCCCAC[G>A]TAATGAGGATTTACTTACCAGGCACTGGTCACAATGCTGTCCTGTCACCAGACGCTTGCA-3'

ClinVar aggregate classification (germline): Likely benign. Review status: criteria provided, multiple submitters, no conflicts (2 of 4 stars). 2 submissions from 2 submitters: Likely benign (2). Last evaluated 2025-09-08.

Allele frequency attached by ClinVar (database versions not stated): ExAC 0.00008; gnomAD 0.00015 and 0.00023; TOPMed 0.00021; ESP Exome Variant Server 0.00023.
gnomAD v4.1: 146 of 1,381,574 alleles (0.011%); highest among the groups gnomAD compares: Admixed American, 0.015%; no homozygotes.

Submissions (2):

Labcorp Genetics (formerly Invitae), Labcorp
Classification: Likely benign. Last evaluated: 2025-09-08. Review status: criteria provided, single submitter. Criteria: Invitae Variant Classification Sherloc (09022015). Collection method: clinical testing. Allele origin: germline.

GeneDx
Classification: Likely benign. Last evaluated: 2017-02-09. Review status: criteria provided, single submitter. Criteria: GeneDx Variant Classification (06012015). Collection method: clinical testing. Allele origin: germline. Affected: yes.
Comment: This variant is considered likely benign or benign based on one or more of the following criteria: it is a conservative change, it occurs at a poorly conserved position in the protein, it is predicted to be benign by multiple in silico algorithms, and/or has population frequency not consistent with disease.